The following is an entry in ClinVar:

NM_004329.3(BMPR1A):c.765C>T (p.Gly255=)

Gene: BMPR1A (bone morphogenetic protein receptor type 1A; plus strand). Cytogenetic location: 10q23.2.
Variant type: single nucleotide variant.
Coding change: c.765C>T on transcript NM_004329.3 (MANE Select); coding-DNA position 765, C replaced by T.
Protein change: p.Gly255=; no amino-acid change (glycine 255 retained).
Molecular consequence: synonymous variant.
Genome position (GRCh38, 1-based): chr10:86,917,223, C>T. VCF-style: chr10-86917223-C-T. GRCh37 (hg19) VCF-style: chr10-88676980-C-T.
Identifiers: ClinVar variation 183851 (VCV000183851.49), dbSNP rs786201114, ClinGen allele CA186745.

ClinVar aggregate classification (germline): Benign/Likely benign. Review status: criteria provided, multiple submitters, no conflicts (2 of 4 stars). 8 submissions from 8 submitters: Benign (1); Likely benign (7). Last evaluated 2025-11-24.

Conditions:
Juvenile polyposis syndrome (JPS). Identifiers: Orphanet 2929, MedGen C0345893, MONDO:0017380, OMIM 174900.
Hereditary cancer-predisposing syndrome. Also called: Tumor predisposition; Neoplastic Syndromes, Hereditary; Hereditary Cancer Syndrome; Hereditary neoplastic syndrome. Identifiers: Orphanet 140162, MedGen C0027672, MeSH D009386, MONDO:0015356.

Allele frequency attached by ClinVar (database versions not stated): TOPMed 0.00002; gnomAD exomes below 0.00001 and 0.00001; gnomAD 0.00002.
gnomAD v4.1: 12 of 1,613,736 alleles (0.00074%); highest among the groups gnomAD compares: Admixed American, 0.005%; no homozygotes.

Submissions (8):

Labcorp Genetics (formerly Invitae), Labcorp
Classification: Likely benign for Juvenile polyposis syndrome. Last evaluated: 2025-11-24. Review status: criteria provided, single submitter. Criteria: Invitae Variant Classification Sherloc (09022015). Collection method: clinical testing. Allele origin: germline.

CeGaT Center for Human Genetics Tuebingen
Classification: Likely benign. Last evaluated: 2025-04-01. Review status: criteria provided, single submitter. Criteria: CeGaT Center For Human Genetics Tuebingen Variant Classification Criteria Version 2. Collection method: clinical testing. Allele origin: germline. Affected: yes. Observed: 1 variant allele.
Comment: BMPR1A: BP4, BP7

All of Us Research Program, National Institutes of Health
Classification: Likely benign for Juvenile polyposis syndrome. Last evaluated: 2024-09-27. Review status: criteria provided, single submitter. Criteria: ACMG Guidelines, 2015. Collection method: clinical testing. Allele origin: germline. Inheritance: Autosomal dominant inheritance. Observed: 8 variant alleles, 8 heterozygotes.
Comment: This study involves interpretation of variants in research participants for the purpose of population health screening. Participant phenotype was not available at the time of variant classification. Additional details can be found in publication PMID: 35346344, PMCID: PMC8962531

Myriad Genetics, Inc.
Classification: Benign for Juvenile polyposis syndrome. Last evaluated: 2024-08-05. Review status: criteria provided, single submitter. Criteria: Myriad Autosomal Dominant, Autosomal Recessive and X-Linked Classification Criteria (2023). Collection method: clinical testing. Allele origin: unknown.
Comment: This variant is considered benign. This variant is a silent/synonymous amino acid change and it is not expected to impact splicing.

Women's Health and Genetics/Laboratory Corporation of America, LabCorp
Classification: Likely benign. Last evaluated: 2022-03-03. Review status: criteria provided, single submitter. Criteria: LabCorp Variant Classification Summary - May 2015. Collection method: clinical testing. Allele origin: germline.

Quest Diagnostics Nichols Institute San Juan Capistrano
Classification: Likely benign. Last evaluated: 2018-08-01. Review status: criteria provided, single submitter. Criteria: Quest Diagnostics criteria. Collection method: clinical testing. Allele origin: germline.

Color Diagnostics, LLC DBA Color Health
Classification: Likely benign for Hereditary cancer-predisposing syndrome. Last evaluated: 2016-03-21. Review status: criteria provided, single submitter. Criteria: ACMG Guidelines, 2015. Collection method: clinical testing. Allele origin: germline.

Ambry Genetics
Classification: Likely benign for Hereditary cancer-predisposing syndrome. Last evaluated: 2016-02-05. Review status: criteria provided, single submitter. Criteria: Ambry Variant Classification Scheme 2023. Collection method: clinical testing. Allele origin: germline.